The following is an entry in ClinVar:

NM_001364171.2(ODAD1):c.1166A>G (p.Lys389Arg)

Gene: ODAD1 (outer dynein arm docking complex subunit 1; minus strand). Cytogenetic location: 19q13.33.
Variant type: single nucleotide variant.
Coding change: c.1166A>G on transcript NM_001364171.2 (MANE Select); coding-DNA position 1166, A replaced by G.
Protein change: p.Lys389Arg; replaces lysine 389 with arginine.
Molecular consequence: missense variant.
Genome position (GRCh38, 1-based): chr19:48,302,768, T>C on the plus strand (A>G on the coding strand, the complement: ODAD1 is on the minus strand). VCF-style: chr19-48302768-T-C. GRCh37 (hg19) VCF-style: chr19-48806025-T-C.
Other names: c.1055A>G, p.Lys352Arg (NM_144577.4); short protein forms K352R, K389R.
Identifiers: ClinVar variation 454963 (VCV000454963.13), dbSNP rs199792051, ClinGen allele CA9548799.

ClinVar aggregate classification (germline): Uncertain significance. Review status: criteria provided, multiple submitters, no conflicts (2 of 4 stars). 3 submissions from 3 submitters: Uncertain significance (3). Last evaluated 2024-08-27.

Conditions:
Primary ciliary dyskinesia. Also called: Ciliary dyskinesia. Identifiers: Orphanet 244, MedGen C0008780, MONDO:0016575, HP:0012265.

Allele frequency attached by ClinVar (database versions not stated): ExAC 0.00001; gnomAD 0.00001; gnomAD exomes 0.00005 and 0.00007; TOPMed 0.00006; ESP Exome Variant Server 0.00015.
gnomAD v4.1: 104 of 1,613,766 alleles (0.0064%); highest among the groups gnomAD compares: Non-Finnish European, 0.0088%; no homozygotes.

Submissions (3):

Labcorp Genetics (formerly Invitae), Labcorp
Classification: Uncertain significance for Primary ciliary dyskinesia. Last evaluated: 2024-08-27. Review status: criteria provided, single submitter. Criteria: Invitae Variant Classification Sherloc (09022015). Collection method: clinical testing. Allele origin: germline.
Comment: This sequence change replaces lysine, which is basic and polar, with arginine, which is basic and polar, at codon 352 of the CCDC114 protein (p.Lys352Arg). This variant is present in population databases (rs199792051, gnomAD 0.01%). This variant has not been reported in the literature in individuals affected with CCDC114-related conditions. ClinVar contains an entry for this variant (Variation ID: 454963). An algorithm developed to predict the effect of missense changes on protein structure and function (PolyPhen-2) suggests that this variant¬†is likely to be tolerated. In summary, the available evidence is currently insufficient to determine the role of this variant in disease. Therefore, it has been classified as a Variant of Uncertain Significance.

Ambry Genetics
Classification: Uncertain significance for Primary ciliary dyskinesia. Last evaluated: 2024-08-26. Review status: criteria provided, single submitter. Criteria: Ambry Variant Classification Scheme 2023. Collection method: clinical testing. Allele origin: germline.

GeneDx
Classification: Uncertain significance. Last evaluated: 2023-03-30. Review status: criteria provided, single submitter. Criteria: GeneDx Variant Classification Process June 2021. Collection method: clinical testing. Allele origin: germline. Affected: yes.
Comment: In silico analysis supports that this missense variant does not alter protein structure/function; Has not been previously published as pathogenic or benign to our knowledge